The following is an entry in ClinVar:

ClinVar aggregate classification (germline): Uncertain significance (1 of 4 stars; one submission).

gnomAD v4.1: 1 of 1,614,200 alleles (0.000062%); highest among the groups gnomAD compares: Non-Finnish European, 0.000085%; no homozygotes.

Submission:

Labcorp Genetics (formerly Invitae), Labcorp
Classification: Uncertain significance. Last evaluated: 2021-05-09. Review status: criteria provided, single submitter. Criteria: Invitae Variant Classification Sherloc (09022015). Collection method: clinical testing. Allele origin: germline.
Comment: In summary, the available evidence is currently insufficient to determine the role of this variant in disease. Therefore, it has been classified as a Variant of Uncertain Significance. Algorithms developed to predict the effect of missense changes on protein structure and function output the following: SIFT: "Tolerated"; PolyPhen-2: "Benign"; Align-GVGD: "Class C0". The threonine amino acid residue is found in multiple mammalian species, suggesting that this missense change does not adversely affect protein function. These predictions have not been confirmed by published functional studies and their clinical significance is uncertain. This variant has not been reported in the literature in individuals with RINT1-related conditions. This variant is not present in population databases (ExAC no frequency). This sequence change replaces isoleucine with threonine at codon 263 of the RINT1 protein (p.Ile263Thr). The isoleucine residue is weakly conserved and there is a moderate physicochemical difference between isoleucine and threonine.

NM_021930.6(RINT1):c.788T>C (p.Ile263Thr)

Gene: RINT1 (RAD50 interactor 1; plus strand). Cytogenetic location: 7q22.3.
Variant type: single nucleotide variant.
Coding change: c.788T>C on transcript NM_021930.6 (MANE Select); coding-DNA position 788, T replaced by C.
Protein change: p.Ile263Thr; replaces isoleucine 263 with threonine.
Molecular consequence: missense variant. On other transcripts: 5 prime UTR variant (2), non-coding transcript variant (1), intron variant (1).
Genome position (GRCh38, 1-based): chr7:105,547,282, T>C. VCF-style: chr7-105547282-T-C. GRCh37 (hg19) VCF-style: chr7-105187729-T-C.
Other names: c.554T>C, p.Ile185Thr (NM_001346599.2); c.-232T>C (NM_001346600.2); c.-135T>C (NM_001346601.2); c.-27-2773T>C (NM_001346603.2); short protein forms I263T, I185T.
Identifiers: ClinVar variation 1479644 (VCV001479644.8), dbSNP rs2133387881, ClinGen allele CA368806382.
Genomic context (GRCh38, chr7:105,547,282, plus strand): 5'-TCATCGCACCCCCTCAATCACAAACTGTTGGCTTAAGTCGACCTGCCAGTGCCCCGGAGA[T>C]ATACAGTTACCTGGAGACACTGTTTTGTCAGCTTTTGAAACTACAAACCTCGTATCTTTG-3'
Protein context (NP_068749.3, residues 253-273): GLSRPASAPE[Ile263Thr]YSYLETLFCQ